The following is an entry in ClinVar:

NM_206996.4(SPAG17):c.1069G>C (p.Asp357His)

Gene: SPAG17 (sperm associated antigen 17; minus strand). Cytogenetic location: 1p12.
Variant type: single nucleotide variant.
Coding change: c.1069G>C on transcript NM_206996.4 (MANE Select); coding-DNA position 1069, G replaced by C.
Protein change: p.Asp357His; replaces aspartic acid 357 with histidine.
Molecular consequence: missense variant.
Genome position (GRCh38, 1-based): chr1:118,093,260, C>G on the plus strand (G>C on the coding strand, the complement: SPAG17 is on the minus strand). VCF-style: chr1-118093260-C-G. GRCh37 (hg19) VCF-style: chr1-118635883-C-G.
Other names: short protein forms D357H.
Identifiers: ClinVar variation 437866 (VCV000437866.3), dbSNP rs183758503, ClinGen allele CA1034400.

ClinVar aggregate classification (germline): Likely pathogenic. Review status: criteria provided, single submitter (1 of 4 stars). 2 submissions from 2 submitters: Likely pathogenic (1). 1 of the submissions does not count toward it. Last evaluated 2017-08-27.

Conditions:
Cranioectodermal dysplasia 2 (CED2). Identifiers: Orphanet 1515, MedGen C3150874, MONDO:0013323, OMIM 613610.
Meniere disease. Also called: Ménière's disease. Identifiers: MedGen C0025281, MONDO:0007972, OMIM 156000.

Allele frequency attached by ClinVar (database versions not stated): gnomAD 0.00003; TOPMed 0.00009; 1000 Genomes Project 0.00020; 1000 Genomes Project 30x 0.00031.
gnomAD v4.1: 62 of 1,613,530 alleles (0.0038%); highest among the groups gnomAD compares: Admixed American, 0.1%; no homozygotes.

Submissions (2):

Laboratorio de Citogenómica y Microarreglos, Universidad Autonoma de Nuevo Leon
Classification: Likely pathogenic for Cranioectodermal dysplasia 2. Last evaluated: 2017-08-27. Review status: criteria provided, single submitter. Criteria: ACMG Guidelines, 2015. Collection method: research. Allele origin: inherited. Inheritance: Autosomal recessive inheritance. Affected: yes. Observed: 1 variant allele, 1 homozygote.
Comment: SPAG17 is essential for function and structure of motile cilia since it is part of the axonemal structure. It has been suggested to present a role in skeletal and bone development. Next generation sequencing We focused on homozygous variants with a population frequency <0.01% and predicted to be pathogenic, likely pathogenic or variant of uncertain significance (VUS) by the SIFT, PANTHER, Mutation Taster 2, PhD-SNP, PROVEAN, and PolyPhen-2 platforms. Sequence conservation was evaluated by PhyloP, PhastCons and GERP scores; while MuPro and CFSSP from ExPASy were used to predict changes in the protein secondary structure. Results: The sequence analysis showed the homozygous missense variant c.1069G>C in SPAG17 resulting in the amino acid exchange p.Asp357His; the total read depth for this variant was 32x (GQX=84). This variant has not yet been reported in NHLBI Exome Sequencing Project (ESP) or ClinVar databases; but the Exome Aggregation Consortium (ExAC) browser reported this variant but as heterozygous in 22 Latinos (22/114272), with a population frequency of 0.0001925. According to conservation scores (PhastCons = 0.998, Phylop = 3.68, and GERP = 4.73), this position is highly conserved. Thus, PROVEAN, SIFT, PolyPhen-2, PANTHER, Mutation taster 2 and PhD-SNP software predicted this variation to be deleterious or probably damaging. In addition, CFSSP tool and MuPro web app predicted both loss of a little Î±-helix and instability for the mutated protein, respectively. Therefore, Asp357 is an evolutionary conserved amino acid and seem to play an important role in the respective protein structure. This is consistent with interpretation of the variant by ExAC database.

Center for Computational Biology & Bioinformatics, University of California, San Diego
Classification: Uncertain significance for Meniere disease. Last evaluated: 2024-06-03. Review status: no assertion criteria provided. Collection method: research. Allele origin: germline. Affected: yes. Not counted in ClinVar's aggregate classification.